The following is an entry in ClinVar:

NM_017763.6(RNF43):c.1591C>T (p.Arg531Cys)

Gene: RNF43 (ring finger protein 43; minus strand). Cytogenetic location: 17q22.
Variant type: single nucleotide variant.
Coding change: c.1591C>T on transcript NM_017763.6 (MANE Select); coding-DNA position 1591, C replaced by T.
Protein change: p.Arg531Cys; replaces arginine 531 with cysteine.
Molecular consequence: missense variant.
Genome position (GRCh38, 1-based): chr17:58,358,185, G>A on the plus strand (C>T on the coding strand, the complement: RNF43 is on the minus strand). VCF-style: chr17-58358185-G-A. GRCh37 (hg19) VCF-style: chr17-56435546-G-A.
Other names: c.1591C>T, p.Arg531Cys (NM_001305544.3); c.1210C>T, p.Arg404Cys (NM_001305545.2); short protein forms R531C, R404C.
Identifiers: ClinVar variation 2156648 (VCV002156648.5), dbSNP rs1262556898, ClinGen allele CA400329242.

ClinVar aggregate classification (germline): Uncertain significance. Review status: criteria provided, multiple submitters, no conflicts (2 of 4 stars). 2 submissions from 2 submitters: Uncertain significance (2). Last evaluated 2024-11-04.

Conditions:
Sessile serrated polyposis cancer syndrome (SSPCS). Identifiers: Orphanet 157798, MedGen C4310714, MONDO:0014919, OMIM 617108.

Allele frequency attached by ClinVar (database versions not stated): gnomAD 0.00001; gnomAD exomes 0.00001; TOPMed 0.00001.
gnomAD v4.1: 13 of 1,612,466 alleles (0.00081%); highest among the groups gnomAD compares: East Asian, 0.0022%; no homozygotes.

Submissions (2):

Labcorp Genetics (formerly Invitae), Labcorp
Classification: Uncertain significance. Last evaluated: 2024-11-04. Review status: criteria provided, single submitter. Criteria: Invitae Variant Classification Sherloc (09022015). Collection method: clinical testing. Allele origin: germline.
Comment: This sequence change replaces arginine, which is basic and polar, with cysteine, which is neutral and slightly polar, at codon 531 of the RNF43 protein (p.Arg531Cys). This variant is present in population databases (no rsID available, gnomAD 0.003%). This variant has not been reported in the literature in individuals affected with RNF43-related conditions. ClinVar contains an entry for this variant (Variation ID: 2156648). An algorithm developed to predict the effect of missense changes on protein structure and function (PolyPhen-2) suggests that this variant is likely to be disruptive. In summary, the available evidence is currently insufficient to determine the role of this variant in disease. Therefore, it has been classified as a Variant of Uncertain Significance.

Baylor Genetics
Classification: Uncertain significance for Sessile serrated polyposis cancer syndrome. Last evaluated: 2023-09-27. Review status: criteria provided, single submitter. Criteria: ACMG Guidelines, 2015. Collection method: clinical testing. Allele origin: unknown.